The following is an entry in ClinVar:

NM_152564.5(VPS13B):c.2252G>C (p.Gly751Ala)

Gene: VPS13B (vacuolar protein sorting 13 homolog B; plus strand). Cytogenetic location: 8q22.2.
Variant type: single nucleotide variant.
Coding change: c.2252G>C on transcript NM_152564.5 (MANE Select); coding-DNA position 2252, G replaced by C.
Protein change: p.Gly751Ala; replaces glycine 751 with alanine.
Molecular consequence: missense variant.
Genome position (GRCh38, 1-based): chr8:99,170,082, G>C. VCF-style: chr8-99170082-G-C. GRCh37 (hg19) VCF-style: chr8-100182310-G-C.
Other names: c.2252G>C, p.Gly751Ala (NM_015243.3, NM_017890.5); short protein forms G751A.
Identifiers: ClinVar variation 3356060 (VCV003356060.1).

ClinVar aggregate classification (germline): Uncertain significance (0 of 4 stars; one submission).

Conditions:
VPS13B-related disorder. Also called: VPS13B-related condition.

gnomAD v4.1: 2 of 1,612,868 alleles (0.00012%); highest among the groups gnomAD compares: Admixed American, 0.0033%; no homozygotes.

Submission:

PreventionGenetics, part of Exact Sciences
Classification: Uncertain significance for VPS13B-related condition. Last evaluated: 2024-07-23. Review status: no assertion criteria provided. Collection method: clinical testing. Allele origin: germline.
Comment: The VPS13B c.2252G>C variant is predicted to result in the amino acid substitution p.Gly751Ala. To our knowledge, this variant has not been reported in the literature. This variant is reported in 0.0029% of alleles in individuals of Latino descent in gnomAD. At this time, the clinical significance of this variant is uncertain due to the absence of conclusive functional and genetic evidence.